The following is an entry in ClinVar:

ClinVar aggregate classification (germline): Uncertain significance (1 of 4 stars; one submission).

Conditions:
Myofibrillar myopathy 4. Also called: Zaspopathy (type). Identifiers: Orphanet 98912, MedGen C4721886, MONDO:0012277, OMIM 609452.

Submission:

Labcorp Genetics (formerly Invitae), Labcorp
Classification: Uncertain significance for Myofibrillar myopathy 4. Last evaluated: 2024-10-11. Review status: criteria provided, single submitter. Criteria: Invitae Variant Classification Sherloc (09022015). Collection method: clinical testing. Allele origin: germline.
Comment: The LDB3 gene has multiple clinically relevant transcripts. This variant occurs in alternate transcript NM_007078.3, and corresponds to NM_001080116.1:c.*7164A>G in the primary transcript. This sequence change replaces isoleucine, which is neutral and non-polar, with valine, which is neutral and non-polar, at codon 302 of the LDB3 protein (p.Ile302Val). This variant is not present in population databases (gnomAD no frequency). This variant has not been reported in the literature in individuals affected with LDB3-related conditions. Experimental studies and prediction algorithms are not available or were not evaluated, and the functional significance of this variant is currently unknown. In summary, the available evidence is currently insufficient to determine the role of this variant in disease. Therefore, it has been classified as a Variant of Uncertain Significance.

NM_007078.3(LDB3):c.904A>G (p.Ile302Val)

Gene: LDB3 (LIM domain binding 3; plus strand). Cytogenetic location: 10q23.2.
Variant type: single nucleotide variant.
Coding change: c.904A>G on transcript NM_007078.3 (MANE Select); coding-DNA position 904, A replaced by G.
Protein change: p.Ile302Val; replaces isoleucine 302 with valine.
Molecular consequence: missense variant. On other transcripts: intron variant (4).
Genome position (GRCh38, 1-based): chr10:86,706,538, A>G. VCF-style: chr10-86706538-A-G. GRCh37 (hg19) VCF-style: chr10-88466295-A-G.
Other names: c.763A>G, p.Ile255Val (NM_001368066.1); c.897-3367A>G (NM_001368064.1, NM_001368065.1); c.1101-3367A>G (NM_001171610.2); c.756-3367A>G (NM_001080114.2); short protein forms I255V, I302V.
Identifiers: ClinVar variation 3621111 (VCV003621111.2).